The following is an entry in ClinVar:

ClinVar aggregate classification (germline): Likely pathogenic (1 of 4 stars; one submission).

Conditions:
NPC1-related disorder. Also called: NPC1-related condition.

Submission:

3billion
Classification: Likely pathogenic for NPC1-related disorder. Last evaluated: 2024-07-22. Review status: criteria provided, single submitter. Criteria: ACMG Guidelines, 2015. Collection method: clinical testing. Allele origin: germline. Affected: yes.
Comment: The variant is not observed in the gnomAD v4.0.0 dataset. Predicted Consequence/Location: Frameshift: predicted to result in a loss or disruption of normal protein function through nonsense-mediated decay (NMD) or protein truncation. Multiple pathogenic variants are reported downstream of the variant. Therefore, this variant is classified as Likely pathogenic according to the recommendation of ACMG/AMP guideline.

NM_000271.5(NPC1):c.2142del (p.Leu715fs)

Gene: NPC1 (NPC intracellular cholesterol transporter 1; minus strand). Cytogenetic location: 18q11.2.
Variant type: Deletion.
Coding change: c.2142del on transcript NM_000271.5 (MANE Select); coding-DNA position 2142, one base deleted (T; older notation c.2142delT).
Protein change: p.Leu715fs; shifts the reading frame from leucine 715.
Molecular consequence: frameshift variant.
Genome position (GRCh38, 1-based): chr18:23,543,558, A deleted on the plus strand (T on the coding strand, the reverse complement: NPC1 is on the minus strand). VCF-style (leftmost placement, unchanged base first): chr18-23543557-GA-G. GRCh37 (hg19) VCF-style: chr18-21123521-GA-G.
Other names: short protein forms L715fs.
Identifiers: ClinVar variation 4293691 (VCV004293691.1).